The following is an entry in ClinVar:

ClinVar aggregate classification (germline): Uncertain significance (1 of 4 stars; one submission).

Conditions:
Lipoic acid synthetase deficiency. Also called: HYPERGLYCINEMIA, LACTIC ACIDOSIS, AND SEIZURES. Identifiers: Orphanet 401859, MedGen C3280887, MONDO:0013762, OMIM 614462.

Allele frequency attached by ClinVar (database versions not stated): TOPMed below 0.00001.

Submission:

Labcorp Genetics (formerly Invitae), Labcorp
Classification: Uncertain significance for Lipoic acid synthetase deficiency. Last evaluated: 2022-02-05. Review status: criteria provided, single submitter. Criteria: Invitae Variant Classification Sherloc (09022015). Collection method: clinical testing. Allele origin: germline.
Comment: In summary, the available evidence is currently insufficient to determine the role of this variant in disease. Therefore, it has been classified as a Variant of Uncertain Significance. Algorithms developed to predict the effect of missense changes on protein structure and function are either unavailable or do not agree on the potential impact of this missense change (SIFT: "Deleterious"; PolyPhen-2: "Benign"; Align-GVGD: "Class C0"). ClinVar contains an entry for this variant (Variation ID: 567187). This variant has not been reported in the literature in individuals affected with LIAS-related conditions. This variant is not present in population databases (gnomAD no frequency). This sequence change replaces leucine, which is neutral and non-polar, with glutamine, which is neutral and polar, at codon 12 of the LIAS protein (p.Leu12Gln).

NM_006859.4(LIAS):c.35T>A (p.Leu12Gln)

Genes: LIAS (lipoic acid synthetase; plus strand), LOC112939935 (Sharpr-MPRA regulatory region 11886; plus strand). Cytogenetic location: 4p14.
Variant type: single nucleotide variant.
Coding change: c.35T>A on transcript NM_006859.4 (MANE Select); coding-DNA position 35, T replaced by A.
Protein change: p.Leu12Gln; replaces leucine 12 with glutamine.
Molecular consequence: missense variant.
Genome position (GRCh38, 1-based): chr4:39,459,152, T>A. VCF-style: chr4-39459152-T-A. GRCh37 (hg19) VCF-style: chr4-39460772-T-A.
Other names: c.35T>A, p.Leu12Gln (NM_001278590.2, NM_001278591.2, NM_001278592.2 and 2 more transcripts); short protein forms L12Q.
Identifiers: ClinVar variation 567187 (VCV000567187.8), dbSNP rs1436660040, ClinGen allele CA356663513.